The following is an entry in ClinVar:

ClinVar aggregate classification (germline): Conflicting classifications of pathogenicity. Review status: criteria provided, conflicting classifications (1 of 4 stars). 2 submissions from 2 submitters: Uncertain significance (1); Likely benign (1). Last evaluated 2023-12-01.

Allele frequency attached by ClinVar (database versions not stated): ESP Exome Variant Server 0.00039; gnomAD exomes 0.00058; ExAC 0.00063; gnomAD 0.00066.

Submissions (2):

CeGaT Center for Human Genetics Tuebingen
Classification: Likely benign. Last evaluated: 2023-12-01. Review status: criteria provided, single submitter. Criteria: CeGaT Center For Human Genetics Tuebingen Variant Classification Criteria Version 2. Collection method: clinical testing. Allele origin: germline. Affected: yes. Observed: 1 variant allele.
Comment: AHNAK2: BP4, BS2

Ambry Genetics
Classification: Uncertain significance. Last evaluated: 2023-07-25. Review status: criteria provided, single submitter. Criteria: Ambry Variant Classification Scheme 2023. Collection method: clinical testing. Allele origin: germline.

NM_138420.4(AHNAK2):c.3865G>A (p.Val1289Met)

Gene: AHNAK2 (AHNAK nucleoprotein 2; minus strand). Cytogenetic location: 14q32.33.
Variant type: single nucleotide variant.
Coding change: c.3865G>A on transcript NM_138420.4 (MANE Select); coding-DNA position 3865, G replaced by A.
Protein change: p.Val1289Met; replaces valine 1289 with methionine.
Molecular consequence: missense variant.
Genome position (GRCh38, 1-based): chr14:104,951,586, C>T on the plus strand (G>A on the coding strand, the complement: AHNAK2 is on the minus strand). VCF-style: chr14-104951586-C-T. GRCh37 (hg19) VCF-style: chr14-105417923-C-T.
Other names: c.3565G>A, p.Val1189Met (NM_001350929.2); short protein forms V1289M, V1189M.
Identifiers: ClinVar variation 2587985 (VCV002587985.24), dbSNP rs200117223, ClinGen allele CA7382769.
Genomic context (GRCh38, chr14:104,951,586, plus strand): 5'-GTGCGCCATCCAACTTGGCTCCCGGGGCCTGCATGTCCACCTCCACACTGGGCAGAGACA[C>T]AGCCACTTCGTGGGCCGTCACCTCTGCCTTATGACCTTTCAGGTCCAGCTTGGGGCCCCT-3'
Protein context (NP_612429.2, residues 1279-1299): KAEVTAHEVA[Val1289Met]SLPSVEVDMQ